The following is an entry in ClinVar:

ClinVar aggregate classification (germline): Uncertain significance (1 of 4 stars; one submission).

Allele frequency attached by ClinVar (database versions not stated): gnomAD exomes below 0.00001; TOPMed below 0.00001.
gnomAD v4.1: 2 of 1,614,028 alleles (0.00012%); highest among the groups gnomAD compares: African/African-American, 0.0013%; no homozygotes.

Submission:

Labcorp Genetics (formerly Invitae), Labcorp
Classification: Uncertain significance. Last evaluated: 2022-11-15. Review status: criteria provided, single submitter. Criteria: Invitae Variant Classification Sherloc (09022015). Collection method: clinical testing. Allele origin: germline.
Comment: This sequence change replaces glycine, which is neutral and non-polar, with aspartic acid, which is acidic and polar, at codon 768 of the RAI1 protein (p.Gly768Asp). This variant is present in population databases (no rsID available, gnomAD 0.007%). This variant has not been reported in the literature in individuals affected with RAI1-related conditions. ClinVar contains an entry for this variant (Variation ID: 1414974). Advanced modeling of protein sequence and biophysical properties (such as structural, functional, and spatial information, amino acid conservation, physicochemical variation, residue mobility, and thermodynamic stability) performed at Invitae indicates that this missense variant is not expected to disrupt RAI1 protein function. In summary, the available evidence is currently insufficient to determine the role of this variant in disease. Therefore, it has been classified as a Variant of Uncertain Significance.

NM_030665.4(RAI1):c.2303G>A (p.Gly768Asp)

Gene: RAI1 (retinoic acid induced 1; plus strand). Cytogenetic location: 17p11.2.
Variant type: single nucleotide variant.
Coding change: c.2303G>A on transcript NM_030665.4 (MANE Select); coding-DNA position 2303, G replaced by A.
Protein change: p.Gly768Asp; replaces glycine 768 with aspartic acid.
Molecular consequence: missense variant.
Genome position (GRCh38, 1-based): chr17:17,795,251, G>A. VCF-style: chr17-17795251-G-A. GRCh37 (hg19) VCF-style: chr17-17698565-G-A.
Other names: short protein forms G768D.
Identifiers: ClinVar variation 1414974 (VCV001414974.6), dbSNP rs1232323587, ClinGen allele CA398550664.